The following is an entry in ClinVar:

NM_031935.3(HMCN1):c.8820G>C (p.Arg2940Ser)

Gene: HMCN1 (hemicentin 1; plus strand). Cytogenetic location: 1q31.1.
Variant type: single nucleotide variant.
Coding change: c.8820G>C on transcript NM_031935.3 (MANE Select); coding-DNA position 8820, G replaced by C.
Protein change: p.Arg2940Ser; replaces arginine 2940 with serine.
Molecular consequence: missense variant.
Genome position (GRCh38, 1-based): chr1:186,082,897, G>C. VCF-style: chr1-186082897-G-C. GRCh37 (hg19) VCF-style: chr1-186052029-G-C.
Other names: short protein forms R2940S.
Identifiers: ClinVar variation 4776023 (VCV004776023.1).

ClinVar aggregate classification (germline): Uncertain significance (1 of 4 stars; one submission).

Submission:

Labcorp Genetics (formerly Invitae), Labcorp
Classification: Uncertain significance. Last evaluated: 2025-05-01. Review status: criteria provided, single submitter. Criteria: Invitae Variant Classification Sherloc (09022015). Collection method: clinical testing. Allele origin: germline.
Comment: This sequence change replaces arginine, which is basic and polar, with serine, which is neutral and polar, at codon 2940 of the HMCN1 protein (p.Arg2940Ser). This variant is not present in population databases (gnomAD no frequency). This variant has not been reported in the literature in individuals affected with HMCN1-related conditions. An algorithm developed to predict the effect of missense changes on protein structure and function (PolyPhen-2) suggests that this variant is likely to be disruptive. In summary, the available evidence is currently insufficient to determine the role of this variant in disease. Therefore, it has been classified as a Variant of Uncertain Significance.